The following is an entry in ClinVar:

ClinVar aggregate classification (germline): Likely benign (1 of 4 stars; one submission).

gnomAD v4.1: 7 of 1,610,742 alleles (0.00043%); highest among the groups gnomAD compares: Admixed American, 0.0017%; no homozygotes.

Submission:

CeGaT Center for Human Genetics Tuebingen
Classification: Likely benign. Last evaluated: 2026-05-01. Review status: criteria provided, single submitter. Criteria: CeGaT Center For Human Genetics Tuebingen Variant Classification Criteria Version 2. Collection method: clinical testing. Allele origin: germline. Affected: yes. Observed: 1 variant allele.
Comment: MRPL44: BP4, BP7

NM_022915.5(MRPL44):c.636A>G (p.Ala212=)

Gene: MRPL44 (mitochondrial ribosomal protein L44; plus strand). Cytogenetic location: 2q36.1.
Variant type: single nucleotide variant.
Coding change: c.636A>G on transcript NM_022915.5 (MANE Select); coding-DNA position 636, A replaced by G.
Protein change: p.Ala212=; no amino-acid change (alanine 212 retained).
Molecular consequence: synonymous variant.
Genome position (GRCh38, 1-based): chr2:223,959,990, A>G. VCF-style: chr2-223959990-A-G. GRCh37 (hg19) VCF-style: chr2-224824707-A-G.
Identifiers: ClinVar variation 4874879 (VCV004874879.2).